The following is an entry in ClinVar:

NM_001164508.2(NEB):c.-113-4del

Gene: NEB (nebulin; minus strand). Cytogenetic location: 2q23.3.
Variant type: Deletion.
Coding change: c.-113-4del on transcript NM_001164508.2 (MANE Select); 4 bases into the intron before 113 bases upstream of the start codon, one base deleted (T; older notation c.-113-4delT).
Molecular consequence: intron variant.
Genome position (GRCh38, 1-based): chr2:151,733,799, A deleted on the plus strand (T on the coding strand, the reverse complement: NEB is on the minus strand); the first of 5 consecutive A bases (chr2:151,733,799-151,733,803); deleting any one gives the same sequence. VCF-style (leftmost placement, unchanged base first): chr2-151733798-GA-G. GRCh37 (hg19) VCF-style: chr2-152590312-GA-G.
Other names: c.-113-4delT (NM_001271208.1); c.-113-4del (NM_004543.5, NM_001164507.2, NM_001271208.2).
Identifiers: ClinVar variation 510075 (VCV000510075.1), dbSNP rs962563454, ClinGen allele CA57656631.

ClinVar aggregate classification (germline): Likely benign (1 of 4 stars; one submission).

Submission:

GeneDx
Classification: Likely benign. Last evaluated: 2017-06-14. Review status: criteria provided, single submitter. Criteria: GeneDx Variant Classification (06012015). Collection method: clinical testing. Allele origin: germline. Affected: yes.
Comment: This variant is considered likely benign or benign based on one or more of the following criteria: it is a conservative change, it occurs at a poorly conserved position in the protein, it is predicted to be benign by multiple in silico algorithms, and/or has population frequency not consistent with disease.